The following is an entry in ClinVar:

ClinVar aggregate classification (germline): Uncertain significance (1 of 4 stars; one submission).

Allele frequency attached by ClinVar (database versions not stated): gnomAD exomes below 0.00001.
gnomAD v4.1: 3 of 1,614,086 alleles (0.00019%); highest among the groups gnomAD compares: Non-Finnish European, 0.00017%; no homozygotes.

Submission:

Labcorp Genetics (formerly Invitae), Labcorp
Classification: Uncertain significance. Last evaluated: 2020-05-06. Review status: criteria provided, single submitter. Criteria: Invitae Variant Classification Sherloc (09022015). Collection method: clinical testing. Allele origin: germline.
Comment: Algorithms developed to predict the effect of missense changes on protein structure and function are either unavailable or do not agree on the potential impact of this missense change (SIFT: "Deleterious"; PolyPhen-2: "Possibly Damaging"; Align-GVGD: "Class C0"). This sequence change replaces glutamic acid with glycine at codon 1031 of the POLE protein (p.Glu1031Gly). The glutamic acid residue is highly conserved and there is a moderate physicochemical difference between glutamic acid and glycine. In summary, the available evidence is currently insufficient to determine the role of this variant in disease. Therefore, it has been classified as a Variant of Uncertain Significance. This variant is not present in population databases (ExAC no frequency). This variant has not been reported in the literature in individuals with POLE-related conditions.

NM_006231.4(POLE):c.3092A>G (p.Glu1031Gly)

Gene: POLE (DNA polymerase epsilon, catalytic subunit; minus strand). Cytogenetic location: 12q24.33.
Variant type: single nucleotide variant.
Coding change: c.3092A>G on transcript NM_006231.4 (MANE Select); coding-DNA position 3092, A replaced by G.
Protein change: p.Glu1031Gly; replaces glutamic acid 1031 with glycine.
Molecular consequence: missense variant.
Genome position (GRCh38, 1-based): chr12:132,659,478, T>C on the plus strand (A>G on the coding strand, the complement: POLE is on the minus strand). VCF-style: chr12-132659478-T-C. GRCh37 (hg19) VCF-style: chr12-133236064-T-C.
Other names: short protein forms E1031G.
Identifiers: ClinVar variation 1045856 (VCV001045856.8), dbSNP rs2042631965, ClinGen allele CA387391748.